The following is an entry in ClinVar:

ClinVar aggregate classification (germline): Conflicting classifications of pathogenicity. Review status: criteria provided, conflicting classifications (1 of 4 stars). 3 submissions from 3 submitters: Uncertain significance (1); Likely benign (2). Last evaluated 2026-01-21.

Conditions:
Noonan syndrome and Noonan-related syndrome. Identifiers: Orphanet 98733, MedGen C5681679, MONDO:0020297.
RASopathy. Also called: rasopathies; Noonan spectrum disorder. Identifiers: Orphanet 536391, MedGen C5555857, MONDO:0021060.

gnomAD v4.1: 13 of 1,534,882 alleles (0.00085%); highest among the groups gnomAD compares: Middle Eastern, 0.017%; no homozygotes.

Submissions (3):

Labcorp Genetics (formerly Invitae), Labcorp
Classification: Likely benign for RASopathy. Last evaluated: 2026-01-21. Review status: criteria provided, single submitter. Criteria: Invitae Variant Classification Sherloc (09022015). Collection method: clinical testing. Allele origin: germline.

GeneDx
Classification: Likely benign. Last evaluated: 2017-08-16. Review status: criteria provided, single submitter. Criteria: GeneDx Variant Classification (06012015). Collection method: clinical testing. Allele origin: germline. Affected: yes.
Comment: This variant is considered likely benign or benign based on one or more of the following criteria: it is a conservative change, it occurs at a poorly conserved position in the protein, it is predicted to be benign by multiple in silico algorithms, and/or has population frequency not consistent with disease.

Genome Diagnostics Laboratory, The Hospital for Sick Children
Classification: Uncertain significance for Noonan syndrome and Noonan-related syndrome. Last evaluated: 2016-12-12. Review status: criteria provided, single submitter. Criteria: ACMG Guidelines, 2015. Collection method: clinical testing. Allele origin: germline.

NM_004333.6(BRAF):c.1742-10T>G

Gene: BRAF (B-Raf proto-oncogene, serine/threonine kinase; minus strand). Cytogenetic location: 7q34.
Variant type: single nucleotide variant.
Coding change: c.1742-10T>G on transcript NM_004333.6 (MANE Select); 10 bases into the intron before coding-DNA position 1742, T replaced by G.
Molecular consequence: intron variant.
Genome position (GRCh38, 1-based): chr7:140,753,403, A>C on the plus strand (T>G on the coding strand, the complement: BRAF is on the minus strand). VCF-style: chr7-140753403-A-C. GRCh37 (hg19) VCF-style: chr7-140453203-A-C.
Other names: c.1742-10T>G (NM_001378474.1, NM_001378468.1, NM_001354609.2); c.1640-10T>G (NM_001378470.1); c.1478-10T>G (NM_001378475.1); c.1631-10T>G (NM_001378471.1); c.1862-10T>G (NM_001374258.1, NM_001374244.1); c.1751-10T>G (NM_001378467.1); c.1586-10T>G (NM_001378472.1, NM_001378473.1); c.1676-10T>G (NM_001378469.1).
Identifiers: ClinVar variation 180781 (VCV000180781.11), dbSNP rs730880411, ClinGen allele CA295899.